The following is an entry in ClinVar:

ClinVar aggregate classification (germline): Uncertain significance (1 of 4 stars; one submission).

Submission:

GeneDx
Classification: Uncertain significance. Last evaluated: 2024-05-07. Review status: criteria provided, single submitter. Criteria: GeneDx Variant Classification Process June 2021. Collection method: clinical testing. Allele origin: germline. Affected: yes.
Comment: Nonsense variant predicted to result in protein truncation or nonsense mediated decay in a gene or region of a gene for which loss of function is not a well-established mechanism of disease; Not observed at significant frequency in large population cohorts (gnomAD); Has not been previously published as pathogenic or benign to our knowledge

NM_014043.4(CHMP2B):c.139A>T (p.Lys47Ter)

Gene: CHMP2B (charged multivesicular body protein 2B; plus strand). Cytogenetic location: 3p11.2.
Variant type: single nucleotide variant.
Coding change: c.139A>T on transcript NM_014043.4 (MANE Select); coding-DNA position 139, A replaced by T.
Protein change: p.Lys47Ter; replaces lysine 47 with a stop codon.
Molecular consequence: nonsense.
Genome position (GRCh38, 1-based): chr3:87,245,726, A>T. VCF-style: chr3-87245726-A-T. GRCh37 (hg19) VCF-style: chr3-87294876-A-T.
Other names: c.16A>T, p.Lys6Ter (NM_001244644.2); c.235A>T, p.Lys79Ter (NM_001410777.1); short protein forms K47*, K6*, K79*.
Identifiers: ClinVar variation 3375588 (VCV003375588.1).